The following is an entry in ClinVar:

NM_003002.4(SDHD):c.83C>G (p.Pro28Arg)

Gene: SDHD (succinate dehydrogenase complex subunit D; plus strand). Cytogenetic location: 11q23.1.
Variant type: single nucleotide variant.
Coding change: c.83C>G on transcript NM_003002.4 (MANE Select); coding-DNA position 83, C replaced by G.
Protein change: p.Pro28Arg; replaces proline 28 with arginine.
Molecular consequence: missense variant. On other transcripts: non-coding transcript variant (1), intron variant (1).
Genome position (GRCh38, 1-based): chr11:112,087,887, C>G. VCF-style: chr11-112087887-C-G. GRCh37 (hg19) VCF-style: chr11-111958611-C-G.
Other names: c.83C>G, p.Pro28Arg (NM_001276503.2, NM_001276506.2); c.52+928C>G (NM_001276504.2); short protein forms P28R.
Identifiers: ClinVar variation 3951424 (VCV003951424.2).

ClinVar aggregate classification (germline): Uncertain significance. Review status: criteria provided, multiple submitters, no conflicts (2 of 4 stars). 2 submissions from 2 submitters: Uncertain significance (2). Last evaluated 2026-01-07.

Conditions:
Hereditary cancer-predisposing syndrome. Also called: Tumor predisposition; Hereditary neoplastic syndrome; Hereditary Cancer Syndrome; Neoplastic Syndromes, Hereditary. Identifiers: Orphanet 140162, MedGen C0027672, MeSH D009386, MONDO:0015356.
Pheochromocytoma. Also called: MAX-Related Hereditary Paraganglioma-Pheochromocytoma Syndrome. Identifiers: Orphanet 29072, MedGen C0031511, MONDO:0008233, OMIM 171300, HP:0002666.
Cowden syndrome 3 (CWS3). Identifiers: Orphanet 201, MedGen CN166604, MONDO:0014045.
Paragangliomas with sensorineural hearing loss. Identifiers: MedGen C1868633.
Carney-Stratakis syndrome. Also called: PARAGANGLIOMA AND GASTROINTESTINAL STROMAL TUMOR. Identifiers: Orphanet 97286, MedGen C1847319, MONDO:0011740, OMIM 606864.

Submissions (2):

Labcorp Genetics (formerly Invitae), Labcorp
Classification: Uncertain significance for Carney-Stratakis syndrome; Paragangliomas with sensorineural hearing loss; Pheochromocytoma; Cowden syndrome 3. Last evaluated: 2026-01-07. Review status: criteria provided, single submitter. Criteria: Invitae Variant Classification Sherloc (09022015). Collection method: clinical testing. Allele origin: germline.
Comment: This sequence change replaces proline, which is neutral and non-polar, with arginine, which is basic and polar, at codon 28 of the SDHD protein (p.Pro28Arg). This variant is not present in population databases (gnomAD no frequency). This variant has not been reported in the literature in individuals affected with SDHD-related conditions. ClinVar contains an entry for this variant (Variation ID: 3951424). Invitae Evidence Modeling of protein sequence and biophysical properties (such as structural, functional, and spatial information, amino acid conservation, physicochemical variation, residue mobility, and thermodynamic stability) indicates that this missense variant is not expected to disrupt SDHD protein function with a negative predictive value of 95%. In summary, the available evidence is currently insufficient to determine the role of this variant in disease. Therefore, it has been classified as a Variant of Uncertain Significance.

Ambry Genetics
Classification: Uncertain significance for Hereditary cancer-predisposing syndrome. Last evaluated: 2025-03-27. Review status: criteria provided, single submitter. Criteria: Ambry Variant Classification Scheme 2023. Collection method: clinical testing. Allele origin: germline.
Comment: The p.P28R variant (also known as c.83C>G), located in coding exon 2 of the SDHD gene, results from a C to G substitution at nucleotide position 83. The proline at codon 28 is replaced by arginine, an amino acid with dissimilar properties. This amino acid position is conserved. In addition, this alteration is predicted to be deleterious by in silico analysis. Based on the available evidence, the clinical significance of this variant remains unclear.